The following is an entry in ClinVar:

NM_001372044.2(SHANK3):c.4133G>A (p.Arg1378Gln)

Gene: SHANK3 (SH3 and multiple ankyrin repeat domains 3; plus strand). Cytogenetic location: 22q13.33.
Variant type: single nucleotide variant.
Coding change: c.4133G>A on transcript NM_001372044.2 (MANE Select); coding-DNA position 4133, G replaced by A.
Protein change: p.Arg1378Gln; replaces arginine 1378 with glutamine.
Molecular consequence: missense variant.
Genome position (GRCh38, 1-based): chr22:50,721,741, G>A. VCF-style: chr22-50721741-G-A. GRCh37 (hg19) VCF-style: chr22-51160169-G-A.
Other names: c.3908G>A (NM_033517.1); short protein forms R1378Q.
Identifiers: ClinVar variation 1304782 (VCV001304782.2), dbSNP rs765793587, ClinGen allele CA10326173.
Genomic context (GRCh38, chr22:50,721,741, plus strand): 5'-TGAACCTGCCACCTGCCCAGCTGTCGTCCAGCGATGAGGAGACCAGGGAGGAGCTGGCCC[G>A]AATTGGGTTGGTGCCACCCCCTGAAGAGTTTGCCAACGGGGTCCTGCTGGCCACCCCACT-3'
Protein context (NP_001358973.1, residues 1368-1388): SDEETREELA[Arg1378Gln]IGLVPPPEEF

ClinVar aggregate classification (germline): Uncertain significance (1 of 4 stars; one submission).

Allele frequency attached by ClinVar (database versions not stated): ExAC 0.00001; gnomAD exomes 0.00002; gnomAD 0.00003; TOPMed 0.00003.

Submission:

GeneDx
Classification: Uncertain significance. Last evaluated: 2020-07-07. Review status: criteria provided, single submitter. Criteria: GeneDx Variant Classification Process June 2021. Collection method: clinical testing. Allele origin: germline. Affected: yes.
Comment: Has not been previously published as pathogenic or benign to our knowledge